The following is an entry in ClinVar:

ClinVar aggregate classification (germline): Uncertain significance (1 of 4 stars; one submission).

Submission:

GeneDx
Classification: Uncertain significance. Last evaluated: 2024-04-05. Review status: criteria provided, single submitter. Criteria: GeneDx Variant Classification Process June 2021. Collection method: clinical testing. Allele origin: germline. Affected: yes.
Comment: Not observed at significant frequency in large population cohorts (gnomAD); In silico analysis supports that this missense variant has a deleterious effect on protein structure/function; Has not been previously published as pathogenic or benign to our knowledge

NM_000276.4(OCRL):c.719T>G (p.Phe240Cys)

Gene: OCRL (OCRL inositol polyphosphate-5-phosphatase; plus strand). Cytogenetic location: Xq26.1.
Variant type: single nucleotide variant.
Coding change: c.719T>G on transcript NM_000276.4 (MANE Select); coding-DNA position 719, T replaced by G.
Protein change: p.Phe240Cys; replaces phenylalanine 240 with cysteine.
Molecular consequence: missense variant.
Genome position (GRCh38, 1-based): chrX:129,558,998, T>G. VCF-style: chrX-129558998-T-G. GRCh37 (hg19) VCF-style: chrX-128692975-T-G.
Other names: c.722T>G, p.Phe241Cys (NM_001318784.2); c.719T>G, p.Phe240Cys (NM_001587.4); short protein forms F240C, F241C.
Identifiers: ClinVar variation 3372128 (VCV003372128.1).